The following is an entry in ClinVar:

ClinVar aggregate classification (germline): Benign/Likely benign. Review status: criteria provided, multiple submitters, no conflicts (2 of 4 stars). 6 submissions from 6 submitters: Benign (1); Likely benign (4). 1 of the submissions does not count toward it. Last evaluated 2025-12-10.

Conditions:
CA4-related disorder. Also called: CA4-related condition.
Retinitis pigmentosa (RP). Identifiers: Orphanet 791, MedGen C0035334, MeSH D012174, MONDO:0019200, OMIM 268000. Inheritance: Autosomal dominant, autosomal recessive and X linked inheritance.

Allele frequency attached by ClinVar (database versions not stated): 1000 Genomes Project 30x 0.00047; 1000 Genomes Project 0.00060; gnomAD exomes 0.00097 and 0.00225; ExAC 0.00121; gnomAD 0.00127 and 0.00150; TOPMed 0.00145; ESP Exome Variant Server 0.00162.
gnomAD v4.1: 3,439 of 1,610,694 alleles (0.21%); highest among the groups gnomAD compares: Non-Finnish European, 0.28%; 12 homozygotes.

Submissions (6):

Labcorp Genetics (formerly Invitae), Labcorp
Classification: Likely benign. Last evaluated: 2025-12-10. Review status: criteria provided, single submitter. Criteria: Invitae Variant Classification Sherloc (09022015). Collection method: clinical testing. Allele origin: germline.

Ambry Genetics
Classification: Likely benign. Last evaluated: 2024-11-25. Review status: criteria provided, single submitter. Criteria: Ambry Variant Classification Scheme 2023. Collection method: clinical testing. Allele origin: germline.

Blueprint Genetics
Classification: Likely benign. Last evaluated: 2024-11-19. Review status: criteria provided, single submitter. Criteria: ACMG Guidelines, 2015. Collection method: clinical testing. Allele origin: germline.

GeneDx
Classification: Likely benign. Last evaluated: 2018-01-29. Review status: criteria provided, single submitter. Criteria: GeneDx Variant Classification (06012015). Collection method: clinical testing. Allele origin: germline. Affected: yes.
Comment: This variant is considered likely benign or benign based on one or more of the following criteria: it is a conservative change, it occurs at a poorly conserved position in the protein, it is predicted to be benign by multiple in silico algorithms, and/or has population frequency not consistent with disease.

Illumina Laboratory Services, Illumina
Classification: Benign for Retinitis pigmentosa. Last evaluated: 2017-05-15. Review status: criteria provided, single submitter. Criteria: ICSL Variant Classification Criteria 13 December 2019. Collection method: clinical testing. Allele origin: germline.
Comment: This variant was observed as part of a predisposition screen in an ostensibly healthy population. A literature search was performed for the gene, cDNA change, and amino acid change (where applicable). No publications were found based on this search. Allele frequency data from public databases was too high to be consistent with this variant causing disease. Therefore, this variant is classified as benign.

PreventionGenetics, part of Exact Sciences
Classification: Likely benign for CA4-related condition. Last evaluated: 2024-09-17. Review status: no assertion criteria provided. Collection method: clinical testing. Allele origin: germline. Not counted in ClinVar's aggregate classification.
Comment: This variant is classified as likely benign based on ACMG/AMP sequence variant interpretation guidelines (Richards et al. 2015 PMID: 25741868, with internal and published modifications).

NM_000717.5(CA4):c.869C>T (p.Pro290Leu)

Gene: CA4 (carbonic anhydrase 4; plus strand). Cytogenetic location: 17q23.1.
Variant type: single nucleotide variant.
Coding change: c.869C>T on transcript NM_000717.5 (MANE Select); coding-DNA position 869, C replaced by T.
Protein change: p.Pro290Leu; replaces proline 290 with leucine.
Molecular consequence: missense variant. On other transcripts: non-coding transcript variant (1).
Genome position (GRCh38, 1-based): chr17:60,159,354, C>T. VCF-style: chr17-60159354-C-T. GRCh37 (hg19) VCF-style: chr17-58236715-C-T.
Other names: short protein forms P290L.
Identifiers: ClinVar variation 514425 (VCV000514425.19), dbSNP rs146141867, ClinGen allele CA8685563.